The following is an entry in ClinVar:

NM_000124.4(ERCC6):c.1196_1197delinsA (p.Gly399fs)

Genes: ERCC6 (ERCC excision repair 6, chromatin remodeling factor; minus strand), PGBD3 (piggyBac transposable element derived 3; minus strand). Cytogenetic location: 10q11.23.
Variant type: Indel.
Coding change: c.1196_1197delinsA on transcript NM_000124.4 (MANE Select); coding-DNA positions 1196 to 1197, GT replaced by A.
Protein change: p.Gly399fs; shifts the reading frame from glycine 399.
Molecular consequence: frameshift variant. On other transcripts: 5 prime UTR variant (1).
Genome position (GRCh38, 1-based): chr10:49,524,233-49,524,234, AC replaced by T on the plus strand (GT replaced by A on the coding strand, the reverse complement: ERCC6 is on the minus strand). VCF-style: chr10-49524233-AC-T. GRCh37 (hg19) VCF-style: chr10-50732279-AC-T.
Other names: c.1196_1197delinsA, p.Gly399fs (NM_001277058.2, NM_001277059.2, NM_001346440.2); c.-209_-208delinsA (NM_170753.3); short protein forms G399fs.
Identifiers: ClinVar variation 5012642 (VCV005012642.1).

ClinVar aggregate classification (germline): Pathogenic (1 of 4 stars; one submission).

Conditions:
Cockayne spectrum with or without cerebrooculofacioskeletal syndrome. Identifiers: MedGen CN315928, MONDO:0100506.

Submission:

Myriad Genetics, Inc.
Classification: Pathogenic for Cockayne spectrum with or without cerebrooculofacioskeletal syndrome. Last evaluated: 2024-01-11. Review status: criteria provided, single submitter. Criteria: Myriad Autosomal Dominant, Autosomal Recessive and X-Linked Classification Criteria (2023). Collection method: clinical testing. Allele origin: unknown.
Comment: NM_000124.2(ERCC6):c.1196_1197delGTinsA(G399Efs*6) is expected to be pathogenic in the context of ERCC6-related disorders. This variant is predicted to lead to an abnormal or absent protein product due to the creation of a premature termination codon in ERCC6, a gene where loss-of-function variants are known to be pathogenic. Please note: this variant was assessed in the context of healthy population screening.